The following is an entry in ClinVar:

ClinVar aggregate classification (germline): Uncertain significance (1 of 4 stars; one submission).

Conditions:
Werner syndrome (WRN). Identifiers: Orphanet 902, MedGen C0043119, MONDO:0010196, OMIM 277700.

Allele frequency attached by ClinVar (database versions not stated): gnomAD exomes below 0.00001 and 0.00002; gnomAD 0.00001; TOPMed 0.00001.
gnomAD v4.1: 24 of 1,610,644 alleles (0.0015%); highest among the groups gnomAD compares: Non-Finnish European, 0.002%; no homozygotes.

Submission:

Labcorp Genetics (formerly Invitae), Labcorp
Classification: Uncertain significance for Werner syndrome. Last evaluated: 2023-12-07. Review status: criteria provided, single submitter. Criteria: Invitae Variant Classification Sherloc (09022015). Collection method: clinical testing. Allele origin: germline.
Comment: This sequence change replaces proline, which is neutral and non-polar, with leucine, which is neutral and non-polar, at codon 427 of the WRN protein (p.Pro427Leu). This variant is present in population databases (no rsID available, gnomAD 0.0009%). This variant has not been reported in the literature in individuals affected with WRN-related conditions. ClinVar contains an entry for this variant (Variation ID: 1400220). An algorithm developed to predict the effect of missense changes on protein structure and function (PolyPhen-2) suggests that this variant is likely to be tolerated. In summary, the available evidence is currently insufficient to determine the role of this variant in disease. Therefore, it has been classified as a Variant of Uncertain Significance.

NM_000553.6(WRN):c.1280C>T (p.Pro427Leu)

Gene: WRN (WRN RecQ like helicase; plus strand). Cytogenetic location: 8p12.
Variant type: single nucleotide variant.
Coding change: c.1280C>T on transcript NM_000553.6 (MANE Select); coding-DNA position 1280, C replaced by T.
Protein change: p.Pro427Leu; replaces proline 427 with leucine.
Molecular consequence: missense variant.
Genome position (GRCh38, 1-based): chr8:31,083,709, C>T. VCF-style: chr8-31083709-C-T. GRCh37 (hg19) VCF-style: chr8-30941225-C-T.
Other names: short protein forms P427L.
Identifiers: ClinVar variation 1400220 (VCV001400220.9), dbSNP rs1406905598, ClinGen allele CA370922451.
Genomic context (GRCh38, chr8:31,083,709, plus strand): 5'-GATATGAAGTCAATTATATTGGAAATTAATGCTTAATACTTTTTTTAAAGCATTTATCTC[C>T]CAATGATAATGAAAACGATACGTCCTATGTAATTGAGAGTGATGAAGATTTAGAAATGGA-3'
Protein context (NP_000544.2, residues 417-437): IAYKSTEHLS[Pro427Leu]NDNENDTSYV